The following is an entry in ClinVar:

ClinVar aggregate classification (germline): Pathogenic/Likely pathogenic. Review status: criteria provided, multiple submitters, no conflicts (2 of 4 stars). 4 submissions from 4 submitters: Pathogenic (1); Likely pathogenic (3). Last evaluated 2025-10-27.

Conditions:
Mucopolysaccharidosis, MPS-III-A (MPS3A). Also called: Mucopolysaccharidosis type IIIA (Sanfilippo A); mucopolysaccharidosis type 3A; MPS IIIA (Sanfilippo Syndrome Type A); SANFILIPPO SYNDROME A; SULFAMIDASE DEFICIENCY; HEPARAN SULFATE SULFATASE DEFICIENCY. Identifiers: Orphanet 581, Orphanet 79269, MedGen C0086647, MONDO:0009655, OMIM 252900.

Allele frequency attached by ClinVar (database versions not stated): ExAC below 0.00001; TOPMed 0.00002; gnomAD exomes 0.00002.
gnomAD v4.1: 23 of 1,582,912 alleles (0.0015%); highest among the groups gnomAD compares: Non-Finnish European, 0.002%; no homozygotes.

Submissions (4):

Labcorp Genetics (formerly Invitae), Labcorp
Classification: Pathogenic for Mucopolysaccharidosis, MPS-III-A. Last evaluated: 2025-10-27. Review status: criteria provided, single submitter. Criteria: Invitae Variant Classification Sherloc (09022015). Collection method: clinical testing. Allele origin: germline.
Comment: This sequence change replaces threonine, which is neutral and polar, with proline, which is neutral and non-polar, at codon 79 of the SGSH protein (p.Thr79Pro). This variant is not present in population databases (gnomAD no frequency). This missense change has been observed in individual(s) with mucopolysaccharidosis type III (PMID: 9285796, 11182930; internal data). In at least one individual the data is consistent with being in trans (on the opposite chromosome) from a pathogenic variant. ClinVar contains an entry for this variant (Variation ID: 372782). Invitae Evidence Modeling of protein sequence and biophysical properties (such as structural, functional, and spatial information, amino acid conservation, physicochemical variation, residue mobility, and thermodynamic stability) indicates that this missense variant is expected to disrupt SGSH protein function with a positive predictive value of 95%. For these reasons, this variant has been classified as Pathogenic.

Natera, Inc.
Classification: Likely pathogenic for Mucopolysaccharidosis type IIIA. Last evaluated: 2025-09-24. Review status: criteria provided, single submitter. Criteria: Natera Variant Classification Schema (03/2026). Collection method: clinical testing. Allele origin: germline.
Comment: The c.235A>C variant in SGSH is a missense variant predicted to cause substitution of threonine to proline at amino acid 79. This variant is rare in the general population with a frequency below the threshold expected for the associated phenotype(s). This variant has been observed in one or more individuals affected with the associated recessive disease, as either homozygous or compound heterozygous with a second variant (PMID: 11182930, 9285796, 22976768). Additionally, this variant has been observed to segregate in affected family members (PMID: 22976768). Computational prediction algorithms indicate this variant is likely to affect gene or protein function. Given the available evidence, this variant is classified as Likely Pathogenic.

Myriad Genetics, Inc.
Classification: Likely pathogenic for Mucopolysaccharidosis, MPS-III-A. Last evaluated: 2021-11-11. Review status: criteria provided, single submitter. Criteria: Myriad Women's Health Autosomal Recessive and X-Linked Classification Criteria (2021). Collection method: clinical testing. Allele origin: unknown.
Comment: NM_000199.3(SGSH):c.235A>C(T79P) is a missense variant classified as likely pathogenic in the context of mucopolysaccharidosis type IIIA. T79P has been observed in cases with relevant disease (PMID: 22976768, 11182930, 9285796). Functional assessments of this variant are not available in the literature. T79P has not been observed in population frequency databases. In summary, NM_000199.3(SGSH):c.235A>C(T79P) is a missense variant that has been observed more frequently in cases with the relevant disease than in healthy populations. Please note: this variant was assessed in the context of healthy population screening.

GeneDx
Classification: Likely pathogenic. Last evaluated: 2016-05-05. Review status: criteria provided, single submitter. Criteria: GeneDx Variant Classification (06012015). Collection method: clinical testing. Allele origin: germline. Affected: yes.
Comment: The T79P variant in the SGSH gene has been reported previously in an individual with Sanfilippo A syndrome. This individual was heterozygous for a second variant that was assumed to be in trans with T79P (Weber et al., 1997). The T79P variant was not observed in approximately 6500 individuals of European and African American ancestry in the NHLBI Exome Sequencing Project, indicating it is not a common benign variant in these populations. The T79P variant is a non-conservative amino acid substitution, which is likely to impact secondary protein structure as these residues differ in polarity, charge, size and/or other properties. This substitution occurs at a position that is conserved across species. In silico analysis predicts this variant is probably damaging to the protein structure/function. Missense variants in nearby residues (R74C, R74H, G80V, H84Y, H84R) have been reported in the Human Gene Mutation Database in association with Sanfilippo syndrome A (Stenson et al., 2014), supporting the functional importance of this region of the protein. The T79P variant is a strong candidate for a pathogenic variant, however the possibility it may be a rare benign variant cannot be excluded.

Literature cited by the submitters: PubMed 9285796 (cited by 3 submitters); PubMed 11182930 (cited by 3 submitters); PubMed 22976768 (cited by Natera, Inc. and Myriad Genetics, Inc.).

NM_000199.5(SGSH):c.235A>C (p.Thr79Pro)

Gene: SGSH (N-sulfoglucosamine sulfohydrolase; minus strand). Cytogenetic location: 17q25.3.
Variant type: single nucleotide variant.
Coding change: c.235A>C on transcript NM_000199.5 (MANE Select); coding-DNA position 235, A replaced by C.
Protein change: p.Thr79Pro; replaces threonine 79 with proline.
Molecular consequence: missense variant. On other transcripts: non-coding transcript variant (1).
Genome position (GRCh38, 1-based): chr17:80,217,046, T>G on the plus strand (A>C on the coding strand, the complement: SGSH is on the minus strand). VCF-style: chr17-80217046-T-G. GRCh37 (hg19) VCF-style: chr17-78190845-T-G.
Other names: c.235A>C, p.Thr79Pro (NM_001352921.3, NM_001352922.2); c.235A>C (NM_000199.4); short protein forms T79P.
Identifiers: ClinVar variation 372782 (VCV000372782.15), dbSNP rs779703983, ClinGen allele CA8818138.